The following is an entry in ClinVar:

NM_001040716.2(PC):c.2164T>C (p.Tyr722His)

Gene: PC (pyruvate carboxylase; minus strand). Cytogenetic location: 11q13.2.
Variant type: single nucleotide variant.
Coding change: c.2164T>C on transcript NM_001040716.2 (MANE Select); coding-DNA position 2164, T replaced by C.
Protein change: p.Tyr722His; replaces tyrosine 722 with histidine.
Molecular consequence: missense variant.
Genome position (GRCh38, 1-based): chr11:66,851,099, A>G on the plus strand (T>C on the coding strand, the complement: PC is on the minus strand). VCF-style: chr11-66851099-A-G. GRCh37 (hg19) VCF-style: chr11-66618570-A-G.
Other names: c.2164T>C, p.Tyr722His (NM_000920.4, NM_022172.3); short protein forms Y722H.
Identifiers: ClinVar variation 2124332 (VCV002124332.4), dbSNP rs2495451420, ClinGen allele CA381493564.

ClinVar aggregate classification (germline): Uncertain significance (1 of 4 stars; one submission).

Conditions:
Pyruvate carboxylase deficiency. Also called: ATAXIA WITH LACTIC ACIDOSIS II; Pyruvate Carboxylase Deficiency Disease; LEIGH NECROTIZING ENCEPHALOPATHY DUE TO PYRUVATE CARBOXYLASE DEFICIENCY; LEIGH SYNDROME DUE TO PYRUVATE CARBOXYLASE DEFICIENCY; PC DEFICIENCY. Identifiers: Orphanet 3008, MedGen C0034341, MONDO:0009949, OMIM 266150.

Submission:

Labcorp Genetics (formerly Invitae), Labcorp
Classification: Uncertain significance for Pyruvate carboxylase deficiency. Last evaluated: 2022-04-10. Review status: criteria provided, single submitter. Criteria: Invitae Variant Classification Sherloc (09022015). Collection method: clinical testing. Allele origin: germline.
Comment: This sequence change replaces tyrosine, which is neutral and polar, with histidine, which is basic and polar, at codon 722 of the PC protein (p.Tyr722His). This variant is not present in population databases (gnomAD no frequency). This variant has not been reported in the literature in individuals affected with PC-related conditions. Algorithms developed to predict the effect of missense changes on protein structure and function are either unavailable or do not agree on the potential impact of this missense change (SIFT: "Deleterious"; PolyPhen-2: "Probably Damaging"; Align-GVGD: "Class C0"). In summary, the available evidence is currently insufficient to determine the role of this variant in disease. Therefore, it has been classified as a Variant of Uncertain Significance.